The following is an entry in ClinVar:

ClinVar aggregate classification (germline): Likely benign. Review status: criteria provided, single submitter (1 of 4 stars). 2 submissions from 2 submitters: Likely benign (1). 1 of the submissions does not count toward it. Last evaluated 2023-02-27.

Conditions:
AP1S3-related disorder. Also called: AP1S3-related condition.

Allele frequency attached by ClinVar (database versions not stated): ESP Exome Variant Server 0.00016; ExAC 0.00024.
gnomAD v4.1: 392 of 1,614,136 alleles (0.024%); highest among the groups gnomAD compares: Non-Finnish European, 0.03%; 1 homozygote.

Submissions (2):

Blueprint Genetics
Classification: Likely benign. Last evaluated: 2023-02-27. Review status: criteria provided, single submitter. Criteria: ACMG Guidelines, 2015. Collection method: clinical testing. Allele origin: germline.

PreventionGenetics, part of Exact Sciences
Classification: Likely benign for AP1S3-related condition. Last evaluated: 2020-03-13. Review status: no assertion criteria provided. Collection method: clinical testing. Allele origin: germline. Not counted in ClinVar's aggregate classification.
Comment: This variant is classified as likely benign based on ACMG/AMP sequence variant interpretation guidelines (Richards et al. 2015 PMID: 25741868, with internal and published modifications).

NM_001039569.2(AP1S3):c.240G>A (p.Thr80=)

Gene: AP1S3 (adaptor related protein complex 1 subunit sigma 3; minus strand). Cytogenetic location: 2q36.1.
Variant type: single nucleotide variant.
Coding change: c.240G>A on transcript NM_001039569.2 (MANE Select); coding-DNA position 240, G replaced by A.
Protein change: p.Thr80=; no amino-acid change (threonine 80 retained).
Molecular consequence: synonymous variant. On other transcripts: non-coding transcript variant (1).
Genome position (GRCh38, 1-based): chr2:223,775,952, C>T on the plus strand (G>A on the coding strand, the complement: AP1S3 is on the minus strand). VCF-style: chr2-223775952-C-T. GRCh37 (hg19) VCF-style: chr2-224640669-C-T.
Identifiers: ClinVar variation 3050716 (VCV003050716.3), dbSNP rs200314987, ClinGen allele CA2138350.